The following is an entry in ClinVar:

ClinVar aggregate classification (germline): Pathogenic (1 of 4 stars; one submission).

Conditions:
Breast-ovarian cancer, familial, susceptibility to, 1 (BROVCA1). Also called: BRCA1 Hereditary Breast and Ovarian Cancer; OVARIAN CANCER, SUSCEPTIBILITY TO. Identifiers: Orphanet 145, MedGen C2676676, MONDO:0011450, OMIM 604370. Disease mechanism: loss of function.

Submissions (2):

Consortium of Investigators of Modifiers of BRCA1/2 (CIMBA), c/o University of Cambridge
Classification: Pathogenic for Breast-ovarian cancer, familial, susceptibility to, 1. Last evaluated: 2015-10-02. Review status: criteria provided, single submitter. Criteria: CIMBA Mutation Classification guidelines May 2016. Collection method: clinical testing. Allele origin: germline.

Brotman Baty Institute, University of Washington
No classification provided (evidence only). Condition: Breast-ovarian cancer, familial 1. Review status: no classification provided. Collection method: in vitro. Allele origin: not applicable. Functional consequence: functionally_abnormal. Not counted in ClinVar's aggregate classification.
ClinVar note: "not provided" was previously submitted as the classification for the variant. However, the classification appeared to be based only on an observation of functional data so it was converted to no classification on 2025-07-30.

NM_007294.4(BRCA1):c.5406+3A>T

Gene: BRCA1 (BRCA1 DNA repair associated; minus strand). Cytogenetic location: 17q21.31.
Variant type: single nucleotide variant.
Coding change: c.5406+3A>T on transcript NM_007294.4 (MANE Select); 3 bases into the intron after coding-DNA position 5406, A replaced by T.
Molecular consequence: intron variant.
Genome position (GRCh38, 1-based): chr17:43,049,118, T>A on the plus strand (A>T on the coding strand, the complement: BRCA1 is on the minus strand). VCF-style: chr17-43049118-T-A. GRCh37 (hg19) VCF-style: chr17-41201135-T-A.
Other names: c.5259+3A>T (NM_001407850.1, NM_001407844.1, NM_001407851.1 and 12 more transcripts); c.5262+3A>T (NM_001407752.1, NM_001407734.1, NM_001407743.1 and 18 more transcripts); c.5189-1415A>T (NM_001407944.1, NM_001407945.1, NM_001407943.1); c.5265+3A>T (NM_001407730.1, NM_001407692.1, NM_001407729.1 and 12 more transcripts); c.5136+3A>T (NM_001407934.1, NM_001407935.1, NM_001407936.1); c.1833+3A>T (NM_001408497.1, NM_001408496.1, NM_001408499.1 and 3 more transcripts); c.2097+3A>T (NM_001407973.1, NM_001407975.1, NM_001407978.1 and 3 more transcripts); c.5406+3A>T (NM_001407596.1, NM_001407602.1, NM_001407597.1 and 5 more transcripts); and 84 more.
Identifiers: ClinVar variation 55562 (VCV000055562.7), dbSNP rs397509278, ClinGen allele CA003556.
Genomic context (GRCh38, chr17:43,049,118, plus strand): 5'-CCAGTCTTGCTCACAGGAGAGAATATTGTGTCCTCCCTCTCTGACAGGGCACCCAATACT[T>A]ACTGTGCCAAGGGTGAATGATGAAAGCTCCTTCACCACAGAAGCACCACACAGCTGTACC-3'